The following is an entry in ClinVar:

ClinVar aggregate classification (germline): Uncertain significance. Review status: criteria provided, single submitter (1 of 4 stars). 2 submissions from 2 submitters: Uncertain significance (1). 1 of the submissions does not count toward it. Last evaluated 2022-09-27.

Conditions:
Bardet-Biedl syndrome (BBS). Identifiers: Orphanet 110, MedGen C0752166, MONDO:0015229.
BBS9-related disorder. Also called: BBS9-related condition.

Submissions (2):

Labcorp Genetics (formerly Invitae), Labcorp
Classification: Uncertain significance for Bardet-Biedl syndrome. Last evaluated: 2022-09-27. Review status: criteria provided, single submitter. Criteria: Invitae Variant Classification Sherloc (09022015). Collection method: clinical testing. Allele origin: germline.
Comment: This sequence change replaces proline, which is neutral and non-polar, with glutamine, which is neutral and polar, at codon 511 of the BBS9 protein (p.Pro511Gln). This variant is present in population databases (no rsID available, gnomAD 0.007%). This variant has not been reported in the literature in individuals affected with BBS9-related conditions. ClinVar contains an entry for this variant (Variation ID: 1368767). Algorithms developed to predict the effect of missense changes on protein structure and function (SIFT, PolyPhen-2, Align-GVGD) all suggest that this variant is likely to be disruptive. In summary, the available evidence is currently insufficient to determine the role of this variant in disease. Therefore, it has been classified as a Variant of Uncertain Significance.

PreventionGenetics, part of Exact Sciences
Classification: Uncertain significance for BBS9-related condition. Last evaluated: 2024-02-07. Review status: no assertion criteria provided. Collection method: clinical testing. Allele origin: germline. Not counted in ClinVar's aggregate classification.
Comment: The BBS9 c.1532C>A variant is predicted to result in the amino acid substitution p.Pro511Gln. To our knowledge, this variant has not been reported in the literature. This variant is reported in 0.0065% of alleles in individuals of European (Non-Finnish) descent in gnomAD. At this time, the clinical significance of this variant is uncertain due to the absence of conclusive functional and genetic evidence.

NM_198428.3(BBS9):c.1532C>A (p.Pro511Gln)

Gene: BBS9 (Bardet-Biedl syndrome 9; plus strand). Cytogenetic location: 7p14.3.
Variant type: single nucleotide variant.
Coding change: c.1532C>A on transcript NM_198428.3 (MANE Select); coding-DNA position 1532, C replaced by A.
Protein change: p.Pro511Gln; replaces proline 511 with glutamine.
Molecular consequence: missense variant. On other transcripts: non-coding transcript variant (3), intron variant (5).
Genome position (GRCh38, 1-based): chr7:33,351,318, C>A. VCF-style: chr7-33351318-C-A. GRCh37 (hg19) VCF-style: chr7-33390930-C-A.
Other names: c.1532C>A, p.Pro511Gln (NM_001033605.2, NM_001348036.1, NM_001348041.4 and 2 more transcripts); c.1166C>A, p.Pro389Gln (NM_001348037.3, NM_001348045.3, NM_001348046.3); c.1259C>A, p.Pro420Gln (NM_001348038.3); c.1397C>A, p.Pro466Gln (NM_001348042.3); c.1160-1541C>A (NM_001348039.3); c.1433-1541C>A (NM_001033604.2); c.1432+2148C>A (NM_014451.4, NM_001348040.3); c.1067-1541C>A (NM_001348044.3); and 1 more; short protein forms P389Q, P420Q, P466Q, P511Q.
Identifiers: ClinVar variation 1368767 (VCV001368767.8), dbSNP rs965817527, ClinGen allele CA367256229.